The following is an entry in ClinVar:

NM_170707.4(LMNA):c.936+4A>G

Gene: LMNA (lamin A/C; plus strand). Cytogenetic location: 1q22.
Variant type: single nucleotide variant.
Coding change: c.936+4A>G on transcript NM_170707.4 (MANE Select); 4 bases into the intron after coding-DNA position 936, A replaced by G.
Molecular consequence: intron variant.
Genome position (GRCh38, 1-based): chr1:156,135,316, A>G. VCF-style: chr1-156135316-A-G. GRCh37 (hg19) VCF-style: chr1-156105107-A-G.
Other names: c.936+4A>G (NM_001406983.1, NM_001282625.2, NM_001406984.1 and 6 more transcripts); c.378+4A>G (NM_001407002.1, NM_001406993.1, NM_001407003.1 and 4 more transcripts); c.272+4A>G (NM_001406999.1, NM_001407000.1, NM_001406994.1 and 1 more transcripts); c.693+4A>G (NM_001406986.1, NM_001406987.1, NM_001282624.2); c.600+4A>G (NM_001406989.1, NM_001257374.3, NM_001406998.1); c.639+4A>G (NM_001406988.1).
Identifiers: ClinVar variation 2634508 (VCV002634508.1), dbSNP rs2102884311, ClinGen allele CA2695199894.

ClinVar aggregate classification (germline): Uncertain significance (1 of 4 stars; one submission).

Conditions:
LMNA-related disorder. Also called: LMNA-related disorders; LMNA-related condition; LMNA-related disease. Identifiers: MedGen CN380145.

Submission:

PreventionGenetics, part of Exact Sciences
Classification: Uncertain significance for LMNA-related condition. Last evaluated: 2023-03-14. Review status: criteria provided, single submitter. Criteria: ACMG Guidelines, 2015. Collection method: clinical testing. Allele origin: germline.
Comment: The LMNA c.936+4A>G variant is predicted to interfere with splicing. which is predicted to decrease the canonical splice donor site and possibly activate a cryptic donor site 3 nucleotides downstream in the intron (Alamut Visual Plus v1.6.1). To our knowledge, this variant has not been reported in the literature or in a large population database, indicating this variant is rare. At this time, the clinical significance of this variant is uncertain due to the absence of conclusive functional and genetic evidence.